The following is an entry in ClinVar:

NM_018406.7(MUC4):c.12072A>G (p.Ser4024=)

Genes: MUC4 (mucin 4, cell surface associated), LOC126806930 (BRD4-independent group 4 enhancer GRCh37_chr3:195505212-195506411). Cytogenetic location: 3q29.
Variant type: single nucleotide variant.
Coding change: c.12072A>G on transcript NM_018406.7 (MANE Select); coding-DNA position 12072, A replaced by G.
Protein change: p.Ser4024=; no amino-acid change (serine 4024 retained).
Molecular consequence: synonymous variant. On other transcripts: genic upstream transcript variant (2).
Genome position (GRCh38, 1-based): chr3:195,779,508, T>C on the plus strand (A>G on the coding strand, the complement: MUC4 is on the minus strand). VCF-style: chr3-195779508-T-C. GRCh37 (hg19) VCF-style: chr3-195506379-T-C.
Other names: c.17370A>G, p.Ser5790= (NM_001322468.1); c.83-5203A>G (NM_138297.5); c.83-1053A>G (NM_004532.6).
Identifiers: ClinVar variation 3234243 (VCV003234243.21), dbSNP rs749388240, ClinGen allele CA2769037.

ClinVar aggregate classification (germline): Likely benign. Review status: criteria provided, multiple submitters, no conflicts (2 of 4 stars). 2 submissions from 2 submitters: Likely benign (2). Last evaluated 2025-02-16.

Allele frequency attached by ClinVar (database versions not stated): ExAC 0.00312.

Submissions (2):

Laboratory of Genetics, Children's Clinical University Hospital Latvia
Classification: Likely benign. Last evaluated: 2025-02-16. Review status: criteria provided, single submitter. Criteria: ACMG Guidelines, 2015. Collection method: clinical testing. Allele origin: germline. Affected: yes.

CeGaT Center for Human Genetics Tuebingen
Classification: Likely benign. Last evaluated: 2024-04-01. Review status: criteria provided, single submitter. Criteria: CeGaT Center For Human Genetics Tuebingen Variant Classification Criteria Version 2. Collection method: clinical testing. Allele origin: germline. Affected: yes. Observed: 1 variant allele.
Comment: MUC4: BP4, BS2